The following is an entry in ClinVar:

ClinVar aggregate classification (germline): Uncertain significance (1 of 4 stars; one submission).

Conditions:
Neurodevelopmental disorder with regression, abnormal movements, loss of speech, and seizures. Identifiers: Orphanet 597623, MedGen C4748127, MONDO:0060759, OMIM 618088.

Submission:

Victorian Clinical Genetics Services, Murdoch Childrens Research Institute
Classification: Uncertain significance for Neurodevelopmental disorder with regression, abnormal movements, loss of speech, and seizures. Last evaluated: 2022-09-02. Review status: criteria provided, single submitter. Criteria: ACMG Guidelines, 2015. Collection method: clinical testing. Allele origin: germline. Inheritance: Autosomal dominant inheritance. Affected: yes.
Comment: Based on the classification scheme VCGS_Germline_v1.3.4, this variant is classified as VUS-3B. Following criteria are met: 0102 - Loss of function is the likely mechanism of disease in this gene and is associated with neurodevelopmental disorder with regression, abnormal movements, loss of speech, and seizures (MIM#618088). (I) 0107 - This gene is associated with autosomal dominant disease. (I) 0200 - Variant is predicted to result in a missense amino acid change from threonine to serine. (I) 0251 - This variant is heterozygous. (I) 0301 - Variant is absent from gnomAD (both v2 and v3). (SP) 0502 - Missense variant with conflicting in silico predictions and uninformative conservation. (I) 0604 - Variant is not located in an established domain, motif, hotspot or informative constraint region. (I) 0705 - No comparable missense variants have previous evidence for pathogenicity. (I) 0807 - This variant has no previous evidence of pathogenicity. (I) 0905 - No published segregation evidence has been identified for this variant. (I) 1007 - No published functional evidence has been identified for this variant. (I) 1208 - Inheritance information for this variant is not currently available in this individual. (I) Legend: (SP) - Supporting pathogenic, (I) - Information, (SB) - Supporting benign

NM_024496.4(IRF2BPL):c.1829C>G (p.Thr610Ser)

Gene: IRF2BPL (interferon regulatory factor 2 binding protein like; minus strand). Cytogenetic location: 14q24.3.
Variant type: single nucleotide variant.
Coding change: c.1829C>G on transcript NM_024496.4 (MANE Select); coding-DNA position 1829, C replaced by G.
Protein change: p.Thr610Ser; replaces threonine 610 with serine.
Molecular consequence: missense variant.
Genome position (GRCh38, 1-based): chr14:77,025,964, G>C on the plus strand (C>G on the coding strand, the complement: IRF2BPL is on the minus strand). VCF-style: chr14-77025964-G-C. GRCh37 (hg19) VCF-style: chr14-77492307-G-C.
Other names: short protein forms T610S.
Identifiers: ClinVar variation 1805985 (VCV001805985.1), dbSNP rs1328589944, ClinGen allele CA390491574.